The following is an entry in ClinVar:

ClinVar aggregate classification (germline): Uncertain significance (1 of 4 stars; one submission).

Allele frequency attached by ClinVar (database versions not stated): gnomAD exomes below 0.00001; gnomAD 0.00001.

Submission:

Labcorp Genetics (formerly Invitae), Labcorp
Classification: Uncertain significance. Last evaluated: 2023-08-31. Review status: criteria provided, single submitter. Criteria: Invitae Variant Classification Sherloc (09022015). Collection method: clinical testing. Allele origin: germline.
Comment: In summary, the available evidence is currently insufficient to determine the role of this variant in disease. Therefore, it has been classified as a Variant of Uncertain Significance. An algorithm developed to predict the effect of missense changes on protein structure and function (PolyPhen-2) suggests that this variant is likely to be disruptive. This variant has not been reported in the literature in individuals affected with SLC19A1-related conditions. The frequency data for this variant in the population databases is considered unreliable, as metrics indicate poor data quality at this position in the gnomAD database. This sequence change replaces alanine, which is neutral and non-polar, with valine, which is neutral and non-polar, at codon 340 of the SLC19A1 protein (p.Ala340Val).

NM_194255.4(SLC19A1):c.1019C>T (p.Ala340Val)

Gene: SLC19A1 (solute carrier family 19 member 1; minus strand). Cytogenetic location: 21q22.3.
Variant type: single nucleotide variant.
Coding change: c.1019C>T on transcript NM_194255.4 (MANE Select); coding-DNA position 1019, C replaced by T.
Protein change: p.Ala340Val; replaces alanine 340 with valine.
Molecular consequence: missense variant.
Genome position (GRCh38, 1-based): chr21:45,530,902, G>A on the plus strand (C>T on the coding strand, the complement: SLC19A1 is on the minus strand). VCF-style: chr21-45530902-G-A. GRCh37 (hg19) VCF-style: chr21-46950816-G-A.
Other names: c.1019C>T, p.Ala340Val (NM_001205206.4, NM_001352511.3, NM_001352512.2); c.899C>T, p.Ala300Val (NM_001205207.3); c.665C>T, p.Ala222Val (NM_001352510.2); short protein forms A222V, A340V, A300V.
Identifiers: ClinVar variation 2716880 (VCV002716880.3), dbSNP rs1355489726, ClinGen allele CA410506911.
Genomic context (GRCh38, chr21:45,530,902, plus strand): 5'-CTCGGGTGGCGCGTGTGCGCCAGAAGGAAGACCAGCCCCGCCTGCGTGGCCGTGACGCCC[G>A]CGATGAGCAGCTTGGACCAGCGCGCCCAGCGGATCTTCACGAAGCCCGCGGCGAAGGACG-3'
Protein context (NP_919231.1, residues 330-350): RWARWSKLLI[Ala340Val]GVTATQAGLV